The following is an entry in ClinVar:

ClinVar aggregate classification (germline): Conflicting classifications of pathogenicity. Review status: criteria provided, conflicting classifications (1 of 4 stars). 2 submissions from 2 submitters: Likely pathogenic (1); Uncertain significance (1). Last evaluated 2024-05-01.

Conditions:
POLE-related disorder. Also called: POLE-related condition; POLE-related disorders.

Submissions (2):

Swedish National ChiCaP Initative, Genomic Medicine Sweden
Classification: Likely pathogenic for POLE-related disorder. Last evaluated: 2024-05-01. Review status: criteria provided, single submitter. Criteria: ACMG Guidelines, 2015. Collection method: clinical testing. Allele origin: de novo. Affected: yes.

Women's Health and Genetics/Laboratory Corporation of America, LabCorp
Classification: Uncertain significance. Last evaluated: 2021-05-10. Review status: criteria provided, single submitter. Criteria: LabCorp Variant Classification Summary - May 2015. Collection method: clinical testing. Allele origin: germline.
Comment: Variant summary: POLE c.1231G>C (p.Val411Leu) results in a conservative amino acid change located in the DNA-directed DNA polymerase, family B, exonuclease domain (IPR006133) of the encoded protein sequence. Three of five in-silico tools predict a damaging effect of the variant on protein function. The variant was absent in 251554 control chromosomes (gnomAD and publication data). c.1231G>C has been reported in the literature in one individual affected with polyposis and rectosigmoid carcinoma (Wimmer_2017). The data does not allow any conclusion about variant significance. Shinbrot_2014 reported this variant results in reduced in exonuclease activity. However, Barbari_2018 showed this variant did not significantly elevate mutagenesis in a yeast assay. No clinical diagnostic laboratories have submitted clinical-significance assessments for this variant to ClinVar after 2014. Based on the evidence outlined above, the variant was classified as VUS-possibly pathogenic.

Literature cited by the submitters: PubMed 32424176 (cited by Women's Health and Genetics/Laboratory Corporation of America, LabCorp); PubMed 29352080 (cited by Women's Health and Genetics/Laboratory Corporation of America, LabCorp); PubMed 23528559 (cited by Women's Health and Genetics/Laboratory Corporation of America, LabCorp); PubMed 25228659 (cited by Women's Health and Genetics/Laboratory Corporation of America, LabCorp); PubMed 27573199 (cited by Women's Health and Genetics/Laboratory Corporation of America, LabCorp).

NM_006231.4(POLE):c.1231G>C (p.Val411Leu)

Gene: POLE (DNA polymerase epsilon, catalytic subunit; minus strand). Cytogenetic location: 12q24.33.
Variant type: single nucleotide variant.
Coding change: c.1231G>C on transcript NM_006231.4 (MANE Select); coding-DNA position 1231, G replaced by C.
Protein change: p.Val411Leu; replaces valine 411 with leucine.
Molecular consequence: missense variant.
Genome position (GRCh38, 1-based): chr12:132,673,703, C>G on the plus strand (G>C on the coding strand, the complement: POLE is on the minus strand). VCF-style: chr12-132673703-C-G. GRCh37 (hg19) VCF-style: chr12-133250289-C-G.
Other names: short protein forms V411L.
Identifiers: ClinVar variation 1098767 (VCV001098767.2), dbSNP rs1057519945, ClinGen allele CA387359761.